The following is an entry in ClinVar:

ClinVar aggregate classification (germline): Uncertain significance. Review status: criteria provided, multiple submitters, no conflicts (2 of 4 stars). 2 submissions from 2 submitters: Uncertain significance (2). Last evaluated 2024-01-24.

Conditions:
Inborn genetic diseases. Identifiers: MedGen C0950123, MeSH D030342.
Carnitine palmitoyltransferase II deficiency. Also called: Carnitine Palmitoyltransferase 2 Deficiency. Identifiers: Orphanet 157, MedGen C0342790, MONDO:0015515.

Allele frequency attached by ClinVar (database versions not stated): gnomAD exomes below 0.00001; ExAC 0.00001; gnomAD 0.00001; TOPMed 0.00002.
gnomAD v4.1: 6 of 1,614,010 alleles (0.00037%); highest among the groups gnomAD compares: Admixed American, 0.0017%; no homozygotes.

Submissions (2):

Ambry Genetics
Classification: Uncertain significance for Inborn genetic diseases. Last evaluated: 2024-01-24. Review status: criteria provided, single submitter. Criteria: Ambry Variant Classification Scheme 2023. Collection method: clinical testing. Allele origin: germline.

Labcorp Genetics (formerly Invitae), Labcorp
Classification: Uncertain significance for Carnitine palmitoyltransferase II deficiency. Last evaluated: 2022-05-01. Review status: criteria provided, single submitter. Criteria: Invitae Variant Classification Sherloc (09022015). Collection method: clinical testing. Allele origin: germline.
Comment: In summary, the available evidence is currently insufficient to determine the role of this variant in disease. Therefore, it has been classified as a Variant of Uncertain Significance. Advanced modeling of protein sequence and biophysical properties (such as structural, functional, and spatial information, amino acid conservation, physicochemical variation, residue mobility, and thermodynamic stability) performed at Invitae indicates that this missense variant is not expected to disrupt CPT2 protein function. This variant has not been reported in the literature in individuals affected with CPT2-related conditions. This variant is present in population databases (rs748607258, gnomAD 0.0009%). This sequence change replaces valine, which is neutral and non-polar, with isoleucine, which is neutral and non-polar, at codon 157 of the CPT2 protein (p.Val157Ile).

NM_000098.3(CPT2):c.469G>A (p.Val157Ile)

Gene: CPT2 (carnitine palmitoyltransferase 2; plus strand). Cytogenetic location: 1p32.3.
Variant type: single nucleotide variant.
Coding change: c.469G>A on transcript NM_000098.3 (MANE Select); coding-DNA position 469, G replaced by A.
Protein change: p.Val157Ile; replaces valine 157 with isoleucine.
Molecular consequence: missense variant.
Genome position (GRCh38, 1-based): chr1:53,210,143, G>A. VCF-style: chr1-53210143-G-A. GRCh37 (hg19) VCF-style: chr1-53675815-G-A.
Other names: c.469G>A, p.Val157Ile (NM_001330589.2); c.469G>A (NM_000098.2); short protein forms V157I.
Identifiers: ClinVar variation 2199156 (VCV002199156.3), dbSNP rs748607258, ClinGen allele CA858995.